The following is an entry in ClinVar:

ClinVar aggregate classification (germline): Conflicting classifications of pathogenicity. Review status: criteria provided, conflicting classifications (1 of 4 stars). 2 submissions from 2 submitters: Uncertain significance (1); Likely benign (1). Last evaluated 2023-03-23.

Conditions:
Hereditary cancer-predisposing syndrome. Also called: Hereditary Cancer Syndrome; Neoplastic Syndromes, Hereditary; Tumor predisposition; Hereditary neoplastic syndrome. Identifiers: Orphanet 140162, MedGen C0027672, MeSH D009386, MONDO:0015356.

Submissions (2):

University of Washington Department of Laboratory Medicine, University of Washington
Classification: Likely benign for Hereditary cancer-predisposing syndrome. Last evaluated: 2023-03-23. Review status: criteria provided, single submitter. Criteria: Dines et al. (Genet Med. 2020). Collection method: curation. Allele origin: germline.
Comment: Missense variant in a coldspot region where missense variants are very unlikely to be pathogenic (PMID:31911673).

BRCA2 exon 11 coldspot. Reclassification based on statistical prior probability.

Ambry Genetics
Classification: Uncertain significance for Hereditary cancer-predisposing syndrome. Last evaluated: 2019-12-11. Review status: criteria provided, single submitter. Criteria: Ambry Variant Classification Scheme 2023. Collection method: clinical testing. Allele origin: germline.
Comment: The p.T1684I variant (also known as c.5051C>T), located in coding exon 10 of the BRCA2 gene, results from a C to T substitution at nucleotide position 5051. The threonine at codon 1684 is replaced by isoleucine, an amino acid with similar properties. This amino acid position is not well conserved in available vertebrate species. In addition, this alteration is predicted to be tolerated by in silico analysis. Since supporting evidence is limited at this time, the clinical significance of this alteration remains unclear.

NM_000059.4(BRCA2):c.5051C>T (p.Thr1684Ile)

Gene: BRCA2 (BRCA2 DNA repair associated; plus strand). Cytogenetic location: 13q13.1.
Variant type: single nucleotide variant.
Coding change: c.5051C>T on transcript NM_000059.4 (MANE Select); coding-DNA position 5051, C replaced by T.
Protein change: p.Thr1684Ile; replaces threonine 1684 with isoleucine.
Molecular consequence: missense variant.
Genome position (GRCh38, 1-based): chr13:32,339,406, C>T. VCF-style: chr13-32339406-C-T. GRCh37 (hg19) VCF-style: chr13-32913543-C-T.
Other names: c.5051C>T, p.Thr1684Ile (NM_001406719.1, NM_001406720.1); short protein forms T1684I.
Identifiers: ClinVar variation 1745038 (VCV001745038.4), dbSNP rs80358729, ClinGen allele CA387784023.